The following is an entry in ClinVar:

NM_007294.4(BRCA1):c.3257T>A (p.Leu1086Ter)

Genes: BRCA1 (BRCA1 DNA repair associated; minus strand), LOC126862571 (BRD4-independent group 4 enhancer GRCh37_chr17:41243136-41244335; plus strand). Cytogenetic location: 17q21.31.
Variant type: single nucleotide variant.
Coding change: c.3257T>A on transcript NM_007294.4 (MANE Select); coding-DNA position 3257, T replaced by A.
Protein change: p.Leu1086Ter; replaces leucine 1086 with a stop codon.
Molecular consequence: nonsense. On other transcripts: intron variant (137).
Genome position (GRCh38, 1-based): chr17:43,092,274, A>T on the plus strand (T>A on the coding strand, the complement: BRCA1 is on the minus strand). VCF-style: chr17-43092274-A-T. GRCh37 (hg19) VCF-style: chr17-41244291-A-T.
Other names: c.524-1242T>A (NM_001408499.1, NM_001408498.1, NM_001408501.1 and 3 more transcripts); c.671-1242T>A (NM_001408422.1, NM_001408418.1, NM_001408423.1 and 2 more transcripts); c.707-1242T>A (NM_001408416.1, NM_001408413.1); c.578-1242T>A (NM_001408484.1, NM_001408478.1, NM_001408514.1 and 9 more transcripts); c.662-1242T>A (NM_001408450.1, NM_001408434.1, NM_001408447.1 and 6 more transcripts); c.785-1242T>A (NM_001408398.1, NM_001407992.1, NM_001408400.1 and 13 more transcripts); c.665-1242T>A (NM_001408440.1, NM_001408428.1, NM_001408441.1 and 12 more transcripts); c.788-1242T>A (NM_001407981.1, NM_007298.4, NM_001407978.1 and 17 more transcripts); and 41 more; short protein forms L1086*, L1039*, L1018*, L975*, L959*, L974*, L997*, L1019*.
Identifiers: ClinVar variation 54808 (VCV000054808.18), dbSNP rs80357006, ClinGen allele CA002106.

ClinVar aggregate classification (germline): Pathogenic. Review status: reviewed by expert panel (3 of 4 stars). 6 submissions from 6 submitters: Pathogenic (1). 5 of the submissions do not count toward it. Last evaluated 2016-09-08.

Conditions:
Hereditary cancer-predisposing syndrome. Also called: Tumor predisposition; Neoplastic Syndromes, Hereditary; Hereditary Cancer Syndrome; Hereditary neoplastic syndrome. Identifiers: Orphanet 140162, MedGen C0027672, MeSH D009386, MONDO:0015356.
Hereditary breast ovarian cancer syndrome. Also called: Hereditary breast and ovarian cancer syndrome (HBOC); Hereditary breast and ovarian cancer syndrome; Hereditary breast and ovarian cancer; Hereditary breast and/or ovarian cancer syndrome; Breast and ovarian cancer; BRCA1- and BRCA2-Associated Hereditary Breast and Ovarian Cancer. Identifiers: Orphanet 145, MedGen C0677776, MeSH D061325, MONDO:0003582. Disease mechanism: loss of function.
Breast-ovarian cancer, familial, susceptibility to, 1 (BROVCA1). Also called: OVARIAN CANCER, SUSCEPTIBILITY TO; BRCA1 Hereditary Breast and Ovarian Cancer. Identifiers: Orphanet 145, MedGen C2676676, MONDO:0011450, OMIM 604370. Disease mechanism: loss of function.

Submissions (6):

Evidence-based Network for the Interpretation of Germline Mutant Alleles (ENIGMA)
Classification: Pathogenic for Breast-ovarian cancer, familial, susceptibility to, 1. Last evaluated: 2016-09-08. Review status: reviewed by expert panel. Criteria: ENIGMA BRCA1/2 Classification Criteria (2015). Collection method: curation. Allele origin: germline.
Comment: Variant allele predicted to encode a truncated non-functional protein.

Ambry Genetics
Classification: Pathogenic for Hereditary cancer-predisposing syndrome. Last evaluated: 2026-02-10. Review status: criteria provided, single submitter. Criteria: Ambry Variant Classification Scheme 2023. Collection method: clinical testing. Allele origin: germline. Not counted in ClinVar's aggregate classification.
Comment: The p.L1086* pathogenic mutation (also known as c.3257T>A), located in coding exon 9 of the BRCA1 gene, results from a T to A substitution at nucleotide position 3257. This changes the amino acid from a leucine to a stop codon within coding exon 9. This variant is considered to be rare based on population cohorts in the Genome Aggregation Database (gnomAD). This alteration is expected to result in loss of function by premature protein truncation or nonsense-mediated mRNA decay. As such, this alteration is interpreted as a disease-causing mutation.

Labcorp Genetics (formerly Invitae), Labcorp
Classification: Pathogenic for Hereditary breast ovarian cancer syndrome. Last evaluated: 2024-06-13. Review status: criteria provided, single submitter. Criteria: Invitae Variant Classification Sherloc (09022015). Collection method: clinical testing. Allele origin: germline. Not counted in ClinVar's aggregate classification.
Comment: This sequence change creates a premature translational stop signal (p.Leu1086*) in the BRCA1 gene. It is expected to result in an absent or disrupted protein product. Loss-of-function variants in BRCA1 are known to be pathogenic (PMID: 20104584). This variant is not present in population databases (gnomAD no frequency). This premature translational stop signal has been observed in individual(s) with breast and/or ovarian cancer (PMID: 24916970). ClinVar contains an entry for this variant (Variation ID: 54808). For these reasons, this variant has been classified as Pathogenic.

GeneDx
Classification: Pathogenic. Last evaluated: 2023-06-20. Review status: criteria provided, single submitter. Criteria: GeneDx Variant Classification Process June 2021. Collection method: clinical testing. Allele origin: germline. Affected: yes. Not counted in ClinVar's aggregate classification.
Comment: Nonsense variant predicted to result in protein truncation or nonsense mediated decay in a gene for which loss of function is a known mechanism of disease; Not observed at significant frequency in large population cohorts (gnomAD); Truncating variants in this gene are considered pathogenic by a well-established clinical consortium and/or database; Also known as 3376T>A; This variant is associated with the following publications: (PMID: 29446198, 36071769, 22460208, 20104584, 30078507, 11857748, 9663595, 24916970, 32318955, 24884479, 23479189)

Consortium of Investigators of Modifiers of BRCA1/2 (CIMBA), c/o University of Cambridge
Classification: Pathogenic for Breast-ovarian cancer, familial, susceptibility to, 1. Last evaluated: 2015-10-02. Review status: criteria provided, single submitter. Criteria: CIMBA Mutation Classification guidelines May 2016. Collection method: clinical testing. Allele origin: germline. Not counted in ClinVar's aggregate classification.

Breast Cancer Information Core (BIC) (BRCA1)
Classification: Pathogenic for Breast-ovarian cancer, familial 1. Last evaluated: 2002-05-29. Review status: no assertion criteria provided. Collection method: clinical testing. Allele origin: germline. Affected: yes. Observed: 1 variant allele. Not counted in ClinVar's aggregate classification.

Literature cited by the submitters: PubMed 11857748 (cited by Ambry Genetics); PubMed 22460208 (cited by Ambry Genetics); PubMed 23479189 (cited by Ambry Genetics); PubMed 24884479 (cited by Ambry Genetics); PubMed 24916970 (cited by Ambry Genetics and Labcorp Genetics (formerly Invitae), Labcorp); PubMed 9663595 (cited by Ambry Genetics); PubMed 20104584 (cited by Labcorp Genetics (formerly Invitae), Labcorp).